The following is an entry in ClinVar:

ClinVar aggregate classification (germline): Uncertain significance. Review status: criteria provided, single submitter (1 of 4 stars). 2 submissions from 2 submitters: Uncertain significance (1). 1 of the submissions does not count toward it. Last evaluated 2023-05-09.

Conditions:
ERBB4-related disorder. Also called: ERBB4-related condition.

Submissions (2):

Labcorp Genetics (formerly Invitae), Labcorp
Classification: Uncertain significance. Last evaluated: 2023-05-09. Review status: criteria provided, single submitter. Criteria: Invitae Variant Classification Sherloc (09022015). Collection method: clinical testing. Allele origin: germline.
Comment: In summary, the available evidence is currently insufficient to determine the role of this variant in disease. Therefore, it has been classified as a Variant of Uncertain Significance. An algorithm developed to predict the effect of missense changes on protein structure and function (PolyPhen-2) suggests that this variant is likely to be tolerated. ClinVar contains an entry for this variant (Variation ID: 1932283). This variant has not been reported in the literature in individuals affected with ERBB4-related conditions. This variant is not present in population databases (gnomAD no frequency). This sequence change replaces histidine, which is basic and polar, with tyrosine, which is neutral and polar, at codon 1189 of the ERBB4 protein (p.His1189Tyr).

PreventionGenetics, part of Exact Sciences
Classification: Uncertain significance for ERBB4-related condition. Last evaluated: 2023-12-18. Review status: no assertion criteria provided. Collection method: clinical testing. Allele origin: germline. Not counted in ClinVar's aggregate classification.
Comment: The ERBB4 c.3565C>T variant is predicted to result in the amino acid substitution p.His1189Tyr. To our knowledge, this variant has not been reported in the literature or in a large population database, indicating this variant is rare. At this time, the clinical significance of this variant is uncertain due to the absence of conclusive functional and genetic evidence.

NM_005235.3(ERBB4):c.3565C>T (p.His1189Tyr)

Gene: ERBB4 (erb-b2 receptor tyrosine kinase 4; minus strand). Cytogenetic location: 2q34.
Variant type: single nucleotide variant.
Coding change: c.3565C>T on transcript NM_005235.3 (MANE Select); coding-DNA position 3565, C replaced by T.
Protein change: p.His1189Tyr; replaces histidine 1189 with tyrosine.
Molecular consequence: missense variant.
Genome position (GRCh38, 1-based): chr2:211,383,977, G>A on the plus strand (C>T on the coding strand, the complement: ERBB4 is on the minus strand). VCF-style: chr2-211383977-G-A. GRCh37 (hg19) VCF-style: chr2-212248702-G-A.
Other names: c.3517C>T, p.His1173Tyr (NM_001042599.2); short protein forms H1189Y, H1173Y.
Identifiers: ClinVar variation 1932283 (VCV001932283.6), dbSNP rs1416461622, ClinGen allele CA350780195.